The following is an entry in ClinVar:

NM_014806.5(RUSC2):c.826A>G (p.Ser276Gly)

Gene: RUSC2 (RUN and SH3 domain containing 2; plus strand). Cytogenetic location: 9p13.3.
Variant type: single nucleotide variant.
Coding change: c.826A>G on transcript NM_014806.5 (MANE Select); coding-DNA position 826, A replaced by G.
Protein change: p.Ser276Gly; replaces serine 276 with glycine.
Molecular consequence: missense variant. On other transcripts: non-coding transcript variant (1), intron variant (1).
Genome position (GRCh38, 1-based): chr9:35,547,347, A>G. VCF-style: chr9-35547347-A-G. GRCh37 (hg19) VCF-style: chr9-35547344-A-G.
Other names: c.826A>G, p.Ser276Gly (NM_001135999.2); c.-620-7713A>G (NM_001330740.2); c.826A>G (NM_001135999.1); short protein forms S276G.
Identifiers: ClinVar variation 1494156 (VCV001494156.6), dbSNP rs574025034, ClinGen allele CA5043538.
Genomic context (GRCh38, chr9:35,547,347, plus strand): 5'-TCCAGTCAGTCCGAGGCAGCTGACCAGTCCATGGGCTATGTGAGCGACTCCTCCTGCAAC[A>G]GTTCAGATGGTGTGCTGGTCACCTTCAGCACCCTCTACAACAAGATGCATGGCACCCCCC-3'
Protein context (NP_055621.2, residues 266-286): MGYVSDSSCN[Ser276Gly]SDGVLVTFST

ClinVar aggregate classification (germline): Uncertain significance. Review status: criteria provided, multiple submitters, no conflicts (2 of 4 stars). 2 submissions from 2 submitters: Uncertain significance (2). Last evaluated 2025-11-26.

Allele frequency attached by ClinVar (database versions not stated): gnomAD exomes 0.00002 and 0.00001; ExAC 0.00001; TOPMed 0.00005; gnomAD 0.00001.
gnomAD v4.1: 28 of 1,614,052 alleles (0.0017%); highest among the groups gnomAD compares: Non-Finnish European, 0.0023%; no homozygotes.

Submissions (2):

Ambry Genetics
Classification: Uncertain significance. Last evaluated: 2025-11-26. Review status: criteria provided, single submitter. Criteria: Ambry Variant Classification Scheme 2023. Collection method: clinical testing. Allele origin: germline.

Labcorp Genetics (formerly Invitae), Labcorp
Classification: Uncertain significance. Last evaluated: 2022-06-18. Review status: criteria provided, single submitter. Criteria: Invitae Variant Classification Sherloc (09022015). Collection method: clinical testing. Allele origin: germline.
Comment: This sequence change replaces serine, which is neutral and polar, with glycine, which is neutral and non-polar, at codon 276 of the RUSC2 protein (p.Ser276Gly). This variant is present in population databases (rs574025034, gnomAD 0.002%). This variant has not been reported in the literature in individuals affected with RUSC2-related conditions. Algorithms developed to predict the effect of missense changes on protein structure and function (SIFT, PolyPhen-2, Align-GVGD) all suggest that this variant is likely to be disruptive. In summary, the available evidence is currently insufficient to determine the role of this variant in disease. Therefore, it has been classified as a Variant of Uncertain Significance.